The following is an entry in ClinVar:

NM_001942.4(DSG1):c.104A>T (p.Lys35Ile)

Gene: DSG1 (desmoglein 1; plus strand). Cytogenetic location: 18q12.1.
Variant type: single nucleotide variant.
Coding change: c.104A>T on transcript NM_001942.4 (MANE Select); coding-DNA position 104, A replaced by T.
Protein change: p.Lys35Ile; replaces lysine 35 with isoleucine.
Molecular consequence: missense variant.
Genome position (GRCh38, 1-based): chr18:31,326,893, A>T. VCF-style: chr18-31326893-A-T. GRCh37 (hg19) VCF-style: chr18-28906856-A-T.
Other names: short protein forms K35I.
Identifiers: ClinVar variation 2904459 (VCV002904459.3), dbSNP rs1436775072, ClinGen allele CA402127566.

ClinVar aggregate classification (germline): Uncertain significance (1 of 4 stars; one submission).

Allele frequency attached by ClinVar (database versions not stated): gnomAD 0.00001; TOPMed 0.00001; gnomAD exomes below 0.00001.
gnomAD v4.1: 7 of 1,613,760 alleles (0.00043%); highest among the groups gnomAD compares: Middle Eastern, 0.016%; no homozygotes.

Submission:

Labcorp Genetics (formerly Invitae), Labcorp
Classification: Uncertain significance. Last evaluated: 2025-11-11. Review status: criteria provided, single submitter. Criteria: Invitae Variant Classification Sherloc (09022015). Collection method: clinical testing. Allele origin: germline.
Comment: This sequence change replaces lysine, which is basic and polar, with isoleucine, which is neutral and non-polar, at codon 35 of the DSG1 protein (p.Lys35Ile). This variant is present in population databases (no rsID available, gnomAD 0.009%). This variant has not been reported in the literature in individuals affected with DSG1-related conditions. ClinVar contains an entry for this variant (Variation ID: 2904459). Invitae Evidence Modeling of protein sequence and biophysical properties (such as structural, functional, and spatial information, amino acid conservation, physicochemical variation, residue mobility, and thermodynamic stability) indicates that this missense variant is not expected to disrupt DSG1 protein function with a negative predictive value of 80%. In summary, the available evidence is currently insufficient to determine the role of this variant in disease. Therefore, it has been classified as a Variant of Uncertain Significance.